The following is an entry in ClinVar:

NM_198904.4(GABRG2):c.241C>T (p.Leu81Phe)

Gene: GABRG2 (gamma-aminobutyric acid type A receptor subunit gamma2; plus strand). Cytogenetic location: 5q34.
Variant type: single nucleotide variant.
Coding change: c.241C>T on transcript NM_198904.4 (MANE Select); coding-DNA position 241, C replaced by T.
Protein change: p.Leu81Phe; replaces leucine 81 with phenylalanine.
Molecular consequence: missense variant. On other transcripts: 5 prime UTR variant (3).
Genome position (GRCh38, 1-based): chr5:162,093,961, C>T. VCF-style: chr5-162093961-C-T. GRCh37 (hg19) VCF-style: chr5-161520967-C-T.
Other names: c.241C>T, p.Leu81Phe (NM_000816.3, NM_001375342.1, NM_001375343.1 and 4 more transcripts); c.175C>T, p.Leu59Phe (NM_001375345.1, NM_001375346.1); c.154C>T, p.Leu52Phe (NM_001375347.1); c.-118C>T (NM_001375348.1, NM_001375350.1); c.-45C>T (NM_001375349.1); c.232C>T, p.Leu78Phe (NM_001375339.1); short protein forms L52F, L59F, L78F, L81F.
Identifiers: ClinVar variation 1962392 (VCV001962392.7), dbSNP rs1374414439, ClinGen allele CA362183126.
Genomic context (GRCh38, chr5:162,093,961, plus strand): 5'-GTTCCTGAGGGTGATGTCACTGTCATCTTAAACAACCTGCTGGAAGGATATGACAATAAA[C>T]TTCGGCCTGATATAGGAGGTTTGTTAAAGTCTTTTGCGTTGTGCTATAGATAGGAGCACA-3'
Protein context (NP_944494.1, residues 71-91): NNLLEGYDNK[Leu81Phe]RPDIGVKPTL

ClinVar aggregate classification (germline): Uncertain significance. Review status: criteria provided, multiple submitters, no conflicts (2 of 4 stars). 2 submissions from 2 submitters: Uncertain significance (2). Last evaluated 2024-05-29.

Conditions:
EPILEPSY, CHILDHOOD ABSENCE, SUSCEPTIBILITY TO, 2 (ECA2). Identifiers: Orphanet 64280, MedGen C1843244, OMIM 607681.
Febrile seizures, familial, 8 (FEB8). Also called: CONVULSIONS, FAMILIAL FEBRILE, 8. Identifiers: Orphanet 36387, MedGen C1969810, MONDO:0011891, OMIM 607681.

Allele frequency attached by ClinVar (database versions not stated): TOPMed below 0.00001.

Submissions (2):

GeneDx
Classification: Uncertain significance. Last evaluated: 2024-05-29. Review status: criteria provided, single submitter. Criteria: GeneDx Variant Classification Process June 2021. Collection method: clinical testing. Allele origin: germline. Affected: yes.
Comment: Not observed at significant frequency in large population cohorts (gnomAD); In silico analysis supports that this missense variant has a deleterious effect on protein structure/function; Has not been previously published as pathogenic or benign to our knowledge

Labcorp Genetics (formerly Invitae), Labcorp
Classification: Uncertain significance for Febrile seizures, familial, 8; EPILEPSY, CHILDHOOD ABSENCE, SUSCEPTIBILITY TO, 2. Last evaluated: 2023-08-29. Review status: criteria provided, single submitter. Criteria: Invitae Variant Classification Sherloc (09022015). Collection method: clinical testing. Allele origin: germline.
Comment: In summary, the available evidence is currently insufficient to determine the role of this variant in disease. Therefore, it has been classified as a Variant of Uncertain Significance. Advanced modeling of protein sequence and biophysical properties (such as structural, functional, and spatial information, amino acid conservation, physicochemical variation, residue mobility, and thermodynamic stability) performed at Invitae indicates that this missense variant is expected to disrupt GABRG2 protein function. This sequence change replaces leucine, which is neutral and non-polar, with phenylalanine, which is neutral and non-polar, at codon 81 of the GABRG2 protein (p.Leu81Phe). This variant is not present in population databases (gnomAD no frequency). This variant has not been reported in the literature in individuals affected with GABRG2-related conditions. ClinVar contains an entry for this variant (Variation ID: 1962392).